The following is an entry in ClinVar:

ClinVar aggregate classification (germline): Uncertain significance (1 of 4 stars; one submission).

Conditions:
Cohen syndrome (COH1). Also called: Cutis verticis gyrata, retinitis pigmentosa, and sensorineural deafness; PEPPER SYNDROME. Identifiers: Orphanet 193, MedGen C0265223, MONDO:0008999, OMIM 216550.

Submission:

Labcorp Genetics (formerly Invitae), Labcorp
Classification: Uncertain significance for Cohen syndrome. Last evaluated: 2020-10-29. Review status: criteria provided, single submitter. Criteria: Invitae Variant Classification Sherloc (09022015). Collection method: clinical testing. Allele origin: germline.
Comment: This variant has not been reported in the literature in individuals with VPS13B-related conditions. In summary, the available evidence is currently insufficient to determine the role of this variant in disease. Therefore, it has been classified as a Variant of Uncertain Significance. Algorithms developed to predict the effect of missense changes on protein structure and function are either unavailable or do not agree on the potential impact of this missense change (SIFT: "Not Available"; PolyPhen-2: "Probably Damaging"; Align-GVGD: "Not Available"). This variant is not present in population databases (ExAC no frequency). This sequence change replaces glycine with tryptophan at codon 1910 of the VPS13B protein (p.Gly1910Trp). The glycine residue is moderately conserved and there is a large physicochemical difference between glycine and tryptophan.

NM_152564.5(VPS13B):c.5653G>T (p.Gly1885Trp)

Gene: VPS13B (vacuolar protein sorting 13 homolog B; plus strand). Cytogenetic location: 8q22.2.
Variant type: single nucleotide variant.
Coding change: c.5653G>T on transcript NM_152564.5 (MANE Select); coding-DNA position 5653, G replaced by T.
Protein change: p.Gly1885Trp; replaces glycine 1885 with tryptophan.
Molecular consequence: missense variant.
Genome position (GRCh38, 1-based): chr8:99,642,243, G>T. VCF-style: chr8-99642243-G-T. GRCh37 (hg19) VCF-style: chr8-100654471-G-T.
Other names: c.5728G>T, p.Gly1910Trp (NM_017890.5); short protein forms G1910W, G1885W.
Identifiers: ClinVar variation 1383905 (VCV001383905.6), dbSNP rs1829399240, ClinGen allele CA371873029.